The following is an entry in ClinVar:

ClinVar aggregate classification (germline): Uncertain significance. Review status: criteria provided, multiple submitters, no conflicts (2 of 4 stars). 3 submissions from 3 submitters: Uncertain significance (3). Last evaluated 2026-08-10.

Conditions:
Ehlers-Danlos syndrome (EDS). Identifiers: Orphanet 98249, MedGen C0013720, MONDO:0020066.
Familial thoracic aortic aneurysm and aortic dissection (TAAD). Also called: Thoracic aortic aneurysms and dissections. Identifiers: Orphanet 91387, MedGen C4707243, MONDO:0019625.
Congenital contractural arachnodactyly (CCA). Also called: BEALS SYNDROME; Arthrogryposis, distal, type 9; Beals-Hecht syndrome. Identifiers: Orphanet 115, MedGen C0220668, MONDO:0007363, OMIM 121050.

gnomAD v4.1: 3 of 1,614,108 alleles (0.00019%); highest among the groups gnomAD compares: Middle Eastern, 0.016%; no homozygotes.

Submissions (3):

Ambry Genetics
Classification: Uncertain significance for Familial thoracic aortic aneurysm and aortic dissection. Last evaluated: 2026-08-10. Review status: criteria provided, single submitter. Criteria: Ambry Variant Classification Scheme 2023. Collection method: clinical testing. Allele origin: germline.
Comment: The p.S2700W variant (also known as c.8099C>G), located in coding exon 63 of the FBN2 gene, results from a C to G substitution at nucleotide position 8099. The serine at codon 2700 is replaced by tryptophan, an amino acid with highly dissimilar properties. This amino acid position is conserved. In addition, this alteration is predicted to be deleterious by in silico analysis. Based on the available evidence, the clinical significance of this variant remains unclear.

Labcorp Genetics (formerly Invitae), Labcorp
Classification: Uncertain significance for Congenital contractural arachnodactyly. Last evaluated: 2023-10-10. Review status: criteria provided, single submitter. Criteria: Invitae Variant Classification Sherloc (09022015). Collection method: clinical testing. Allele origin: germline.
Comment: This sequence change replaces serine, which is neutral and polar, with tryptophan, which is neutral and slightly polar, at codon 2700 of the FBN2 protein (p.Ser2700Trp). This variant is not present in population databases (gnomAD no frequency). This variant has not been reported in the literature in individuals affected with FBN2-related conditions. ClinVar contains an entry for this variant (Variation ID: 1702252). Advanced modeling of protein sequence and biophysical properties (such as structural, functional, and spatial information, amino acid conservation, physicochemical variation, residue mobility, and thermodynamic stability) performed at Invitae indicates that this missense variant is not expected to disrupt FBN2 protein function. In summary, the available evidence is currently insufficient to determine the role of this variant in disease. Therefore, it has been classified as a Variant of Uncertain Significance.

Genome Diagnostics Laboratory, The Hospital for Sick Children
Classification: Uncertain significance for Ehlers-Danlos syndrome. Last evaluated: 2018-08-01. Review status: criteria provided, single submitter. Criteria: ACMG Guidelines, 2015. Collection method: clinical testing. Allele origin: germline.

NM_001999.4(FBN2):c.8099C>G (p.Ser2700Trp)

Gene: FBN2 (fibrillin 2; minus strand). Cytogenetic location: 5q23.3.
Variant type: single nucleotide variant.
Coding change: c.8099C>G on transcript NM_001999.4 (MANE Select); coding-DNA position 8099, C replaced by G.
Protein change: p.Ser2700Trp; replaces serine 2700 with tryptophan.
Molecular consequence: missense variant.
Genome position (GRCh38, 1-based): chr5:128,263,518, G>C on the plus strand (C>G on the coding strand, the complement: FBN2 is on the minus strand). VCF-style: chr5-128263518-G-C. GRCh37 (hg19) VCF-style: chr5-127599210-G-C.
Other names: short protein forms S2700W.
Identifiers: ClinVar variation 1702252 (VCV001702252.7), dbSNP rs776788539, ClinGen allele CA360748499.